The following is an entry in ClinVar:

NM_199355.4(ADAMTS18):c.3647C>T (p.Ser1216Leu)

Gene: ADAMTS18 (ADAM metallopeptidase with thrombospondin type 1 motif 18; minus strand). Cytogenetic location: 16q23.1.
Variant type: single nucleotide variant.
Coding change: c.3647C>T on transcript NM_199355.4 (MANE Select); coding-DNA position 3647, C replaced by T.
Protein change: p.Ser1216Leu; replaces serine 1216 with leucine.
Molecular consequence: missense variant.
Genome position (GRCh38, 1-based): chr16:77,283,975, G>A on the plus strand (C>T on the coding strand, the complement: ADAMTS18 is on the minus strand). VCF-style: chr16-77283975-G-A. GRCh37 (hg19) VCF-style: chr16-77317872-G-A.
Other names: c.3131C>T, p.Ser1044Leu (NM_001326358.2); short protein forms S1044L, S1216L.
Identifiers: ClinVar variation 1426057 (VCV001426057.6), dbSNP rs768828614, ClinGen allele CA8180328.

ClinVar aggregate classification (germline): Uncertain significance (1 of 4 stars; one submission).

Allele frequency attached by ClinVar (database versions not stated): TOPMed 0.00001; gnomAD exomes 0.00002 and 0.00003; ExAC 0.00004.
gnomAD v4.1: 37 of 1,613,754 alleles (0.0023%); highest among the groups gnomAD compares: East Asian, 0.082%; 1 homozygote.

Submission:

Labcorp Genetics (formerly Invitae), Labcorp
Classification: Uncertain significance. Last evaluated: 2022-09-27. Review status: criteria provided, single submitter. Criteria: Invitae Variant Classification Sherloc (09022015). Collection method: clinical testing. Allele origin: germline.
Comment: In summary, the available evidence is currently insufficient to determine the role of this variant in disease. Therefore, it has been classified as a Variant of Uncertain Significance. Algorithms developed to predict the effect of missense changes on protein structure and function are either unavailable or do not agree on the potential impact of this missense change (SIFT: "Not Available"; PolyPhen-2: "Possibly Damaging"; Align-GVGD: "Not Available"). ClinVar contains an entry for this variant (Variation ID: 1426057). This variant has not been reported in the literature in individuals affected with ADAMTS18-related conditions. This variant is present in population databases (rs768828614, gnomAD 0.03%). This sequence change replaces serine, which is neutral and polar, with leucine, which is neutral and non-polar, at codon 1216 of the ADAMTS18 protein (p.Ser1216Leu).